The following is an entry in ClinVar:

NM_206937.2(LIG4):c.-32C>T

Gene: LIG4 (DNA ligase 4; minus strand). Cytogenetic location: 13q33.3.
Variant type: single nucleotide variant.
Coding change: c.-32C>T on transcript NM_206937.2 (MANE Select); 32 bases upstream of the start codon, C replaced by T.
Molecular consequence: 5 prime UTR variant. On other transcripts: missense variant (1), intron variant (2).
Genome position (GRCh38, 1-based): chr13:108,214,541, G>A on the plus strand (C>T on the coding strand, the complement: LIG4 is on the minus strand). VCF-style: chr13-108214541-G-A. GRCh37 (hg19) VCF-style: chr13-108866889-G-A.
Other names: c.-153C>T (NM_001330595.2); c.-32C>T (NM_001352599.2, NM_001352600.2, NM_001352601.2 and 4 more transcripts); c.85C>T, p.Pro29Ser (NM_001352604.2); c.-28-3245C>T (NM_001098268.2); c.-29+21C>T (NM_001352598.2); short protein forms P29S.
Identifiers: ClinVar variation 310998 (VCV000310998.8), dbSNP rs536441091, ClinGen allele CA10633824.
Genomic context (GRCh38, chr13:108,214,541, plus strand): 5'-TTCCTCTGCCCGTTCCCCCTACTCTCCCCCAACCCTTCACGGATTCCCAGTGAATACCTG[G>A]CCTCGGGCAAGCTCCGTTACCTCTGTGAACCAGAGAATCCCAGCTGTAAAATGAGATCTT-3'

ClinVar aggregate classification (germline): Uncertain significance. Review status: criteria provided, multiple submitters, no conflicts (2 of 4 stars). 4 submissions from 3 submitters: Uncertain significance (4). Last evaluated 2024-06-18.

Conditions:
Severe combined immunodeficiency due to DCLRE1C deficiency (RS-SCID). Also called: SCID, AUTOSOMAL RECESSIVE, T CELL-NEGATIVE, B CELL-NEGATIVE, NK CELL-POSITIVE, WITH SENSITIVITY TO IONIZING RADIATION. Identifiers: Orphanet 275, MedGen C1865371, MONDO:0011225, OMIM 602450.
DNA ligase IV deficiency. Identifiers: Orphanet 99812, MedGen C1847827, MONDO:0011686, OMIM 606593.

Allele frequency attached by ClinVar (database versions not stated): 1000 Genomes Project 0.00020; TOPMed 0.00049; 1000 Genomes Project 30x 0.00031; gnomAD 0.00039.

Submissions (4):

Dasa
Classification: Uncertain significance. Last evaluated: 2024-06-18. Review status: criteria provided, single submitter. Criteria: DASA Assertion Criteria. Collection method: clinical testing. Allele origin: germline.
Comment: NM_001352604.2(LIG4):c.85C>T (p.Pro29Ser) is a missense variant that results in the substitution of proline with serine. Computational prediction algorithms are consistent with a deleterious effect. The currently available literature and clinical evidence are not sufficient to establish a definitive association between this variant and the reported condition. Therefore, this variant is classified as a variant of uncertain significance.

Illumina Laboratory Services, Illumina
Classification: Uncertain significance for DNA ligase IV deficiency. Last evaluated: 2018-01-13. Review status: criteria provided, single submitter. Criteria: ICSL Variant Classification Criteria 13 December 2019. Collection method: clinical testing. Allele origin: germline.

Illumina Laboratory Services, Illumina
Classification: Uncertain significance for Severe combined immunodeficiency due to DCLRE1C deficiency. Last evaluated: 2018-01-13. Review status: criteria provided, single submitter. Criteria: ICSL Variant Classification Criteria 13 December 2019. Collection method: clinical testing. Allele origin: germline.

Breakthrough Genomics
Classification: Uncertain significance. Review status: criteria provided, single submitter. Criteria: ACMG Guidelines, 2015. Collection method: not provided. Allele origin: germline. Inheritance: Autosomal recessive inheritance. Affected: yes.